The following is an entry in ClinVar:

ClinVar aggregate classification (germline): Pathogenic (1 of 4 stars; one submission).

Conditions:
LAMA2-related muscular dystrophy (LAMA2-RD). Also called: Laminin alpha 2-related dystrophy. Identifiers: MedGen C5679788, MONDO:0100228.

Submission:

Labcorp Genetics (formerly Invitae), Labcorp
Classification: Pathogenic for LAMA2-related muscular dystrophy. Last evaluated: 2023-08-16. Review status: criteria provided, single submitter. Criteria: Invitae Variant Classification Sherloc (09022015). Collection method: clinical testing. Allele origin: unknown.
Comment: This variant is a gross deletion of the genomic region encompassing exon(s) 57-60 of the LAMA2 gene. This deletion is out-of-frame, and is expected to create a premature termination codon and result in an absent or disrupted protein product. Loss-of-function variants in LAMA2 are known to be pathogenic (PMID: 18700894, 32904964). This variant has not been reported in the literature in individuals affected with LAMA2-related conditions. For these reasons, this variant has been classified as Pathogenic.

Literature cited by the submitters: PubMed 18700894; PubMed 32904964.

NC_000006.11:g.(?_129813026)_(129824445_?)del

Gene: LAMA2 (laminin subunit alpha 2; plus strand). Cytogenetic location: 6q22.33.
Variant type: Deletion.
Identifiers: ClinVar variation 3246063 (VCV003246063.1).